The following is an entry in ClinVar:

ClinVar aggregate classification (germline): Pathogenic (1 of 4 stars; one submission).

Conditions:
Retinoblastoma (RB1). Also called: RETINOBLASTOMA, SOMATIC. Identifiers: Orphanet 790, MedGen C0035335, MeSH D012175, MONDO:0008380, OMIM 180200, HP:0009919. Disease mechanism: loss of function. Inheritance: Both sporadic and heritable forms are tested..

Submission:

Labcorp Genetics (formerly Invitae), Labcorp
Classification: Pathogenic for Retinoblastoma. Last evaluated: 2020-02-21. Review status: criteria provided, single submitter. Criteria: Invitae Variant Classification Sherloc (09022015). Collection method: clinical testing. Allele origin: germline.
Comment: For these reasons, this variant has been classified as Pathogenic. Loss-of-function variants in RB1 are known to be pathogenic (PMID: 17096365). This variant has not been reported in the literature in individuals with RB1-related conditions. This variant is not present in population databases (ExAC no frequency). This sequence change creates a premature translational stop signal (p.Thr738Lysfs*8) in the RB1 gene. It is expected to result in an absent or disrupted protein product.

Literature cited by the submitters: PubMed 17096365.

NC_000013.11:g.48464999_48465023del

Gene: RB1 (RB transcriptional corepressor 1; plus strand). Cytogenetic location: 13q14.2.
Variant type: Deletion.
Genome position: GRCh38 VCF-style: chr13-48464995-CAGACATTCAAACGTGTTTTGATCAA-C. GRCh37 (hg19) VCF-style: chr13-49039131-CAGACATTCAAACGTGTTTTGATCAA-C.
Identifiers: ClinVar variation 1075812 (VCV001075812.7), dbSNP rs2138344503, ClinGen allele CA2499222457.